The following is an entry in ClinVar:

ClinVar aggregate classification (germline): Uncertain significance (1 of 4 stars; one submission).

Allele frequency attached by ClinVar (database versions not stated): TOPMed below 0.00001.
gnomAD v4.1: 17 of 1,237,056 alleles (0.0014%); highest among the groups gnomAD compares: Non-Finnish European, 0.0017%; no homozygotes.

Submission:

Labcorp Genetics (formerly Invitae), Labcorp
Classification: Uncertain significance. Last evaluated: 2022-09-12. Review status: criteria provided, single submitter. Criteria: Invitae Variant Classification Sherloc (09022015). Collection method: clinical testing. Allele origin: germline.
Comment: In summary, the available evidence is currently insufficient to determine the role of this variant in disease. Therefore, it has been classified as a Variant of Uncertain Significance. Algorithms developed to predict the effect of missense changes on protein structure and function are either unavailable or do not agree on the potential impact of this missense change (SIFT: "Deleterious"; PolyPhen-2: "Probably Damaging"; Align-GVGD: "Class C0"). This variant has not been reported in the literature in individuals affected with KCNQ5-related conditions. This variant is not present in population databases (gnomAD no frequency). This sequence change replaces glycine, which is neutral and non-polar, with arginine, which is basic and polar, at codon 15 of the KCNQ5 protein (p.Gly15Arg).

NM_019842.4(KCNQ5):c.43G>C (p.Gly15Arg)

Genes: KCNQ5 (potassium voltage-gated channel subfamily Q member 5; plus strand), KCNQ5-DT (KCNQ5 divergent transcript; minus strand), LOC129996711 (ATAC-STARR-seq lymphoblastoid silent region 17329; plus strand). Cytogenetic location: 6q13.
Variant type: single nucleotide variant.
Coding change: c.43G>C on transcript NM_019842.4 (MANE Select); coding-DNA position 43, G replaced by C.
Protein change: p.Gly15Arg; replaces glycine 15 with arginine.
Molecular consequence: missense variant.
Genome position (GRCh38, 1-based): chr6:72,622,232, G>C. VCF-style: chr6-72622232-G-C. GRCh37 (hg19) VCF-style: chr6-73331960-G-C.
Other names: c.43G>C, p.Gly15Arg (NM_001160130.2, NM_001160132.2, NM_001160133.2 and 1 more transcripts); short protein forms G15R.
Identifiers: ClinVar variation 2001161 (VCV002001161.4), dbSNP rs1245708170, ClinGen allele CA364824033.